The following is an entry in ClinVar:

ClinVar aggregate classification (germline): Uncertain significance (1 of 4 stars; one submission).

Conditions:
Mitochondrial DNA depletion syndrome 13. Also called: FBXL4-Related Encephalomyopathic Mitochondrial DNA Depletion Syndrome; Mitochondrial DNA depletion syndrome 13 (encephalomyopathic type). Identifiers: Orphanet 369897, MedGen C3809592, MONDO:0014198, OMIM 615471.

Submission:

Wong Mito Lab, Molecular and Human Genetics, Baylor College of Medicine
Classification: Uncertain significance for Mitochondrial DNA depletion syndrome 13. Last evaluated: 2017-08-10. Review status: criteria provided, single submitter. Criteria: ACMG Guidelines, 2015. Collection method: reference population. Allele origin: germline.
Comment: The NM_012160.4:c.1318-10C>A (NP_036292.2:p.=) [GRCH38: NC_000006.12:g.98880634G>T] variant in FBXL4 gene is interpretated to be a Uncertain Significance - Conflicting Evidence based on ACMG guidelines (PMID: 25741868). This variant meets one or more of the following evidence codes reported in the ACMG-guideline. PM2:This variant is absent in key population databases. BP4:Computational evidence/predictors indicate no impact on the FBXL4 structure, function, or protein-protein interaction. Based on this evidence code ClinGen Pathogenicity Calculator (PMID:28081714) suggested that the variant is Uncertain Significance - Conflicting Evidence.

NM_001278716.2(FBXL4):c.1318-10C>A

Gene: FBXL4 (F-box and leucine rich repeat protein 4; minus strand). Cytogenetic location: 6q16.1.
Variant type: single nucleotide variant.
Coding change: c.1318-10C>A on transcript NM_001278716.2 (MANE Select); 10 bases into the intron before coding-DNA position 1318, C replaced by A.
Molecular consequence: intron variant.
Genome position (GRCh38, 1-based): chr6:98,880,634, G>T on the plus strand (C>A on the coding strand, the complement: FBXL4 is on the minus strand). VCF-style: chr6-98880634-G-T. GRCh37 (hg19) VCF-style: chr6-99328510-G-T.
Other names: c.1318-10C>A (NM_012160.5).
Identifiers: ClinVar variation 437735 (VCV000437735.1), dbSNP rs779074627, ClinGen allele CA16020681.